The following is an entry in ClinVar:

ClinVar aggregate classification (germline): Benign. Review status: criteria provided, multiple submitters, no conflicts (2 of 4 stars). 5 submissions from 5 submitters: Benign (3). 2 of the submissions do not count toward it. Last evaluated 2026-02-01.

Conditions:
SGCG-related disorder. Also called: SGCG-related condition.
Sarcoglycanopathy. Identifiers: Orphanet 207052, MedGen C2936331, MONDO:0016140.
Autosomal recessive limb-girdle muscular dystrophy type 2C (LGMDR5). Also called: MUSCULAR DYSTROPHY, LIMB-GIRDLE, AUTOSOMAL RECESSIVE 5; MUSCULAR DYSTROPHY, DUCHENNE-LIKE. Identifiers: Orphanet 353, MedGen C0410173, MONDO:0009677, OMIM 253700. Disease mechanism: Affects gamma-sarcoglycan and also disrupts the integrity of the entire sarcoglycan complex..

Allele frequency attached by ClinVar (database versions not stated): gnomAD 0.00002 and 0.00040; TOPMed 0.00009; gnomAD exomes 0.00069 and 0.00141; ExAC 0.00149; 1000 Genomes Project 0.00280; 1000 Genomes Project 30x 0.00281.

Submissions (5):

Labcorp Genetics (formerly Invitae), Labcorp
Classification: Benign for Autosomal recessive limb-girdle muscular dystrophy type 2C. Last evaluated: 2026-02-01. Review status: criteria provided, single submitter. Criteria: Invitae Variant Classification Sherloc (09022015). Collection method: clinical testing. Allele origin: germline.

CeGaT Center for Human Genetics Tuebingen
Classification: Benign. Last evaluated: 2024-12-01. Review status: criteria provided, single submitter. Criteria: CeGaT Center For Human Genetics Tuebingen Variant Classification Criteria Version 2. Collection method: clinical testing. Allele origin: germline. Affected: yes. Observed: 1 variant allele.
Comment: SGCG: BS1, BS2

Illumina Laboratory Services, Illumina
Classification: Benign for Sarcoglycanopathy. Last evaluated: 2018-01-13. Review status: criteria provided, single submitter. Criteria: ICSL Variant Classification Criteria 13 December 2019. Collection method: clinical testing. Allele origin: germline.
Comment: This variant was observed in the ICSL laboratory as part of a predisposition screen in an ostensibly healthy population. It had not been previously curated by ICSL or reported in the Human Gene Mutation Database (HGMD: prior to June 1st, 2018), and was therefore a candidate for classification through an automated scoring system. Utilizing variant allele frequency, disease prevalence and penetrance estimates, and inheritance mode, an automated score was calculated to assess if this variant is too frequent to cause the disease. Based on the score and internal cut-off values, a variant classified as benign is not then subjected to further curation. The score for this variant resulted in a classification of benign for this disease.

PreventionGenetics, part of Exact Sciences
Classification: Benign for SGCG-related condition. Last evaluated: 2024-06-27. Review status: no assertion criteria provided. Collection method: clinical testing. Allele origin: germline. Not counted in ClinVar's aggregate classification.
Comment: This variant is classified as benign based on ACMG/AMP sequence variant interpretation guidelines (Richards et al. 2015 PMID: 25741868, with internal and published modifications).

Natera, Inc.
Classification: Benign for Limb-girdle muscular dystrophy type 2C. Last evaluated: 2020-04-19. Review status: no assertion criteria provided. Collection method: clinical testing. Allele origin: germline. Not counted in ClinVar's aggregate classification.

NM_000231.3(SGCG):c.479T>C (p.Val160Ala)

Gene: SGCG (sarcoglycan gamma; plus strand). Cytogenetic location: 13q12.12.
Variant type: single nucleotide variant.
Coding change: c.479T>C on transcript NM_000231.3 (MANE Select); coding-DNA position 479, T replaced by C.
Protein change: p.Val160Ala; replaces valine 160 with alanine.
Molecular consequence: missense variant.
Genome position (GRCh38, 1-based): chr13:23,279,452, T>C. VCF-style: chr13-23279452-T-C. GRCh37 (hg19) VCF-style: chr13-23853591-T-C.
Other names: c.533T>C, p.Val178Ala (NM_001378244.1); c.479T>C, p.Val160Ala (NM_001378245.1, NM_001378246.1); short protein forms V160A, V178A.
Identifiers: ClinVar variation 311480 (VCV000311480.35), dbSNP rs527562042, ClinGen allele CA6909699.
Genomic context (GRCh38, chr13:23,279,452, plus strand): 5'-TTCAGATCAACTCCAACGACGGCAAGCCACTATTTACTGTAGATGAGAAGGAAGTTGTGG[T>C]TGGTACAGATAAACTTCGAGTAACTGGTATGTACTAACTCGAGAAAAACACAACATTCCA-3'
Protein context (NP_000222.2, residues 150-170): LFTVDEKEVV[Val160Ala]GTDKLRVTGP